The following is an entry in ClinVar:

NM_001134407.3(GRIN2A):c.1222A>T (p.Ile408Phe)

Gene: GRIN2A (glutamate ionotropic receptor NMDA type subunit 2A; minus strand). Cytogenetic location: 16p13.2.
Variant type: single nucleotide variant.
Coding change: c.1222A>T on transcript NM_001134407.3 (MANE Select); coding-DNA position 1222, A replaced by T.
Protein change: p.Ile408Phe; replaces isoleucine 408 with phenylalanine.
Molecular consequence: missense variant.
Genome position (GRCh38, 1-based): chr16:9,849,862, T>A on the plus strand (A>T on the coding strand, the complement: GRIN2A is on the minus strand). VCF-style: chr16-9849862-T-A. GRCh37 (hg19) VCF-style: chr16-9943719-T-A.
Other names: c.1222A>T, p.Ile408Phe (NM_000833.5, NM_001134408.2); short protein forms I408F.
Identifiers: ClinVar variation 2841008 (VCV002841008.3), dbSNP rs2542861853, ClinGen allele CA394801137.
Genomic context (GRCh38, chr16:9,849,862, plus strand): 5'-TCTCGGTCAGGGGGTCTATGTCTTCCACGATGACGAATGGGGCCTCCTCCAGGGTGACGA[T>A]GCTGAGATGGTTGTCATCCGGCTCACAGTCGGAGAAGGACTTGTACCTGGGCCACACGGC-3'
Protein context (NP_001127879.1, residues 398-418): DCEPDDNHLS[Ile408Phe]VTLEEAPFVI

ClinVar aggregate classification (germline): Uncertain significance (1 of 4 stars; one submission).

Conditions:
Landau-Kleffner syndrome (FESD). Also called: EPILEPSY, FOCAL, WITH SPEECH DISORDER AND WITH OR WITHOUT MENTAL RETARDATION; APHASIA, ACQUIRED, WITH EPILEPSY. Identifiers: Orphanet 1945, Orphanet 725, Orphanet 98818, MedGen C0282512, MONDO:0009509, OMIM 245570.

Submission:

Labcorp Genetics (formerly Invitae), Labcorp
Classification: Uncertain significance for Landau-Kleffner syndrome. Last evaluated: 2023-02-26. Review status: criteria provided, single submitter. Criteria: Invitae Variant Classification Sherloc (09022015). Collection method: clinical testing. Allele origin: germline.
Comment: This sequence change replaces isoleucine, which is neutral and non-polar, with phenylalanine, which is neutral and non-polar, at codon 408 of the GRIN2A protein (p.Ile408Phe). This variant is not present in population databases (gnomAD no frequency). In summary, the available evidence is currently insufficient to determine the role of this variant in disease. Therefore, it has been classified as a Variant of Uncertain Significance. Advanced modeling of protein sequence and biophysical properties (such as structural, functional, and spatial information, amino acid conservation, physicochemical variation, residue mobility, and thermodynamic stability) performed at Invitae indicates that this missense variant is expected to disrupt GRIN2A protein function. This variant has not been reported in the literature in individuals affected with GRIN2A-related conditions.